The following is an entry in ClinVar:

NM_015122.3(FCHO1):c.957_965del (p.Val320_Glu322del)

Gene: FCHO1 (FCH and mu domain containing endocytic adaptor 1; plus strand). Cytogenetic location: 19p13.11.
Variant type: Deletion.
Coding change: c.957_965del on transcript NM_015122.3 (MANE Select); coding-DNA positions 957 to 965, 9 bases deleted (GGTGGATGA; older notation c.957_965delGGTGGATGA).
Protein change: p.Val320_Glu322del.
Molecular consequence: non-coding transcript variant (on NR_169219.1).
Genome position (GRCh38, 1-based): chr19:17,775,467-17,775,475, GGTGGATGA deleted; deleting any 9 consecutive bases within chr19:17,775,465-17,775,475 gives the same sequence; the c. name uses the placement nearest the transcript's 3' end. VCF-style (leftmost placement, unchanged base first): chr19-17775464-AGAGGTGGAT-A. GRCh37 (hg19) VCF-style: chr19-17886273-AGAGGTGGAT-A.
Other names: c.957_965del, p.Val320_Glu322del (NM_001161357.2, NM_001161358.2, NM_001384370.1 and 25 more transcripts); c.807_815del, p.Val270_Glu272del (NM_001161359.2, NM_001384384.1, NM_001384385.1 and 3 more transcripts); c.918_926del, p.Val307_Glu309del (NM_001384388.1, NM_001384389.1, NM_001384405.1); c.882_890del, p.Val295_Glu297del (NM_001384390.1); c.912_920del, p.Val305_Glu307del (NM_001384403.1).
Identifiers: ClinVar variation 3674836 (VCV003674836.2).

ClinVar aggregate classification (germline): Uncertain significance (1 of 4 stars; one submission).

Submission:

Labcorp Genetics (formerly Invitae), Labcorp
Classification: Uncertain significance. Last evaluated: 2024-05-13. Review status: criteria provided, single submitter. Criteria: Invitae Variant Classification Sherloc (09022015). Collection method: clinical testing. Allele origin: germline.
Comment: This variant, c.957_965del, results in the deletion of 3 amino acid(s) of the FCHO1 protein (p.Val320_Glu322del), but otherwise preserves the integrity of the reading frame. This variant is present in population databases (no rsID available, gnomAD 0.003%). This variant has not been reported in the literature in individuals affected with FCHO1-related conditions. Experimental studies and prediction algorithms are not available or were not evaluated, and the functional significance of this variant is currently unknown. In summary, the available evidence is currently insufficient to determine the role of this variant in disease. Therefore, it has been classified as a Variant of Uncertain Significance.